The following is an entry in ClinVar:

ClinVar aggregate classification (germline): Pathogenic/Likely pathogenic. Review status: criteria provided, multiple submitters, no conflicts (2 of 4 stars). 5 submissions from 5 submitters: Pathogenic (2); Likely pathogenic (3). Last evaluated 2026-03-04.

Conditions:
Joubert syndrome. Also called: Familial aplasia of the vermis; JOUBERT-BOLTSHAUSER SYNDROME. Identifiers: Orphanet 475, MedGen C5979921, MONDO:0018772.
Meckel-Gruber syndrome. Also called: GRUBER SYNDROME; DYSENCEPHALIA SPLANCHNOCYSTICA; Dysencephalia splachnocystica. Identifiers: Orphanet 564, MedGen C0265215, MONDO:0018921.
RPGRIP1L-related disorder. Also called: RPGRIP1L-related disorders; RPGRIP1L-related condition. Identifiers: MedGen CN239416.
Joubert syndrome and related disorders. Identifiers: Orphanet 140874, MedGen C5679612, MONDO:0015369.
COACH syndrome 1. Identifiers: Orphanet 1454, MedGen C5435651, MONDO:0800103, OMIM 216360, MONDO:0008996.

Allele frequency attached by ClinVar (database versions not stated): gnomAD exomes below 0.00001.

Submissions (5):

PreventionGenetics, part of Exact Sciences
Classification: Likely pathogenic for RPGRIP1L-related condition. Last evaluated: 2026-03-04. Review status: criteria provided, single submitter. Criteria: ACMG Guidelines, 2015. Collection method: clinical testing. Allele origin: germline.
Comment: The RPGRIP1L c.3558_3559dupAC variant is predicted to result in a frameshift and premature protein termination (p.Pro1187Hisfs*21). To our knowledge, this variant has not been reported in the literature or in a large population database (gnomAD), indicating this variant is rare. Frameshift variants in RPGRIP1L are expected to be pathogenic. This variant is interpreted as likely pathogenic.

Natera, Inc.
Classification: Likely pathogenic for Joubert syndrome. Last evaluated: 2024-05-06. Review status: criteria provided, single submitter. Criteria: Natera Variant Classification Schema (03/2026). Collection method: clinical testing. Allele origin: germline.
Comment: The c.3558_3559dupAC variant in RPGRIP1L is a frameshift variant predicted to shift the reading frame beginning at codon 1187 and leads to a stop codon 21 codons downstream. This variant is expected to result in nonsense mediated decay, truncation, or a dysfunctional protein product. This variant is rare in the general population with a frequency below the threshold expected for the associated phenotype(s). Given the available evidence, this variant is classified as Likely Pathogenic.

Women's Health and Genetics/Laboratory Corporation of America, LabCorp
Classification: Likely pathogenic for Joubert syndrome and related disorders. Last evaluated: 2023-04-14. Review status: criteria provided, single submitter. Criteria: LabCorp Variant Classification Summary - May 2015. Collection method: clinical testing. Allele origin: germline.
Comment: Variant summary: RPGRIP1L c.3558_3559dupAC (p.Pro1187HisfsX21) results in a premature termination codon, predicted to cause a truncation of the encoded protein or absence of the protein due to nonsense mediated decay, which are commonly known mechanisms for disease. Truncations downstream of this position have been classified as pathogenic by our laboratory. The variant was absent in 251484 control chromosomes (gnomAD). To our knowledge, no occurrence of c.3558_3559dupAC in individuals affected with Joubert Syndrome And Related Disorders and no experimental evidence demonstrating its impact on protein function have been reported. Two ClinVar submitters (evaluation after 2014) cite this variant as pathogenic. Based on the evidence outlined above, the variant was classified as likely pathogenic.

Labcorp Genetics (formerly Invitae), Labcorp
Classification: Pathogenic for Joubert syndrome; Meckel-Gruber syndrome. Last evaluated: 2023-03-08. Review status: criteria provided, single submitter. Criteria: Invitae Variant Classification Sherloc (09022015). Collection method: clinical testing. Allele origin: germline.
Comment: This sequence change creates a premature translational stop signal (p.Pro1187Hisfs*21) in the RPGRIP1L gene. It is expected to result in an absent or disrupted protein product. Loss-of-function variants in RPGRIP1L are known to be pathogenic (PMID: 17558409). This variant is not present in population databases (gnomAD no frequency). This variant has not been reported in the literature in individuals affected with RPGRIP1L-related conditions. ClinVar contains an entry for this variant (Variation ID: 848273). For these reasons, this variant has been classified as Pathogenic.

Baylor Genetics
Classification: Pathogenic for COACH syndrome 1. Last evaluated: 2018-08-02. Review status: criteria provided, single submitter. Criteria: ACMG Guidelines, 2015. Collection method: clinical testing. Allele origin: maternal. Affected: yes.
Comment: This variant was determined to be pathogenic according to ACMG Guidelines, 2015 [PMID:25741868].

Literature cited by the submitters: PubMed 17558409 (cited by Labcorp Genetics (formerly Invitae), Labcorp).

NM_015272.5(RPGRIP1L):c.3558_3559dup (p.Pro1187fs)

Gene: RPGRIP1L (RPGRIP1 like; minus strand). Cytogenetic location: 16q12.2.
Variant type: Microsatellite.
Coding change: c.3558_3559dup on transcript NM_015272.5 (MANE Select); coding-DNA positions 3558 to 3559, 2 bases duplicated (AC; older notation c.3558_3559dupAC).
Protein change: p.Pro1187fs; shifts the reading frame from proline 1187.
Molecular consequence: frameshift variant.
Genome position (GRCh38, 1-based): chr16:53,619,082-53,619,083, GT duplicated on the plus strand (AC on the coding strand, the reverse complement: RPGRIP1L is on the minus strand); duplicating any 2 consecutive bases within chr16:53,619,082-53,619,085 gives the same sequence; the c. name uses the placement nearest the transcript's 3' end. VCF-style (leftmost placement, unchanged base first): chr16-53619081-G-GGT. GRCh37 (hg19) VCF-style: chr16-53652993-G-GGT.
Other names: c.3558_3559dupAC (NM_015272.2, NM_015272.4); c.3318_3319dup, p.Pro1107fs (NM_001127897.4); c.3420_3421dup, p.Pro1141fs (NM_001308334.3); c.3456_3457dup, p.Pro1153fs (NM_001330538.2); short protein forms P1141fs, P1107fs, P1187fs, P1153fs.
Identifiers: ClinVar variation 848273 (VCV000848273.12), dbSNP rs1200131247, ClinGen allele CA721633366.